The following is an entry in ClinVar:

NM_004526.4(MCM2):c.658A>G (p.Ser220Gly)

Gene: MCM2 (minichromosome maintenance complex component 2; plus strand). Cytogenetic location: 3q21.3.
Variant type: single nucleotide variant.
Coding change: c.658A>G on transcript NM_004526.4 (MANE Select); coding-DNA position 658, A replaced by G.
Protein change: p.Ser220Gly; replaces serine 220 with glycine.
Molecular consequence: missense variant. On other transcripts: non-coding transcript variant (1).
Genome position (GRCh38, 1-based): chr3:127,605,141, A>G. VCF-style: chr3-127605141-A-G. GRCh37 (hg19) VCF-style: chr3-127323984-A-G.
Other names: c.658A>G (NM_004526.2); short protein forms S220G.
Identifiers: ClinVar variation 2629215 (VCV002629215.2), dbSNP rs201262336, ClinGen allele CA2595653.

ClinVar aggregate classification (germline): Uncertain significance. Review status: criteria provided, multiple submitters, no conflicts (2 of 4 stars). 2 submissions from 2 submitters: Uncertain significance (2). Last evaluated 2025-05-17.

Conditions:
MCM2-related disorder. Also called: MCM2-related condition.

Allele frequency attached by ClinVar (database versions not stated): ExAC 0.00002; TOPMed 0.00002; gnomAD 0.00003; gnomAD exomes 0.00014.
gnomAD v4.1: 204 of 1,614,070 alleles (0.013%); highest among the groups gnomAD compares: Middle Eastern, 0.033%; no homozygotes.

Submissions (2):

Ambry Genetics
Classification: Uncertain significance. Last evaluated: 2025-05-17. Review status: criteria provided, single submitter. Criteria: Ambry Variant Classification Scheme 2023. Collection method: clinical testing. Allele origin: germline.

PreventionGenetics, part of Exact Sciences
Classification: Uncertain significance for MCM2-related condition. Last evaluated: 2023-08-01. Review status: criteria provided, single submitter. Criteria: ACMG Guidelines, 2015. Collection method: clinical testing. Allele origin: germline.
Comment: The MCM2 c.658A>G variant is predicted to result in the amino acid substitution p.Ser220Gly. To our knowledge, this variant has not been reported in the literature. This variant is reported in 0.0080% of alleles in individuals of European (Non-Finnish) descent in gnomAD. At this time, the clinical significance of this variant is uncertain due to the absence of conclusive functional and genetic evidence.